The following is an entry in ClinVar:

ClinVar aggregate classification (germline): Uncertain significance (1 of 4 stars; one submission).

Conditions:
Hereditary cancer-predisposing syndrome. Also called: Neoplastic Syndromes, Hereditary; Tumor predisposition; Hereditary Cancer Syndrome; Hereditary neoplastic syndrome. Identifiers: Orphanet 140162, MedGen C0027672, MeSH D009386, MONDO:0015356.

Submission:

Ambry Genetics
Classification: Uncertain significance for Hereditary cancer-predisposing syndrome. Last evaluated: 2026-02-15. Review status: criteria provided, single submitter. Criteria: Ambry Variant Classification Scheme 2023. Collection method: clinical testing. Allele origin: germline.
Comment: The p.L1087R variant (also known as c.3260T>G), located in coding exon 15 of the APC gene, results from a T to G substitution at nucleotide position 3260. The leucine at codon 1087 is replaced by arginine, an amino acid with dissimilar properties. This amino acid position is conserved. In addition, in silico predictors for this gene do not accurately predict pathogenicity. Based on the available evidence, the clinical significance of this variant remains unclear.

NM_000038.6(APC):c.3260T>G (p.Leu1087Arg)

Gene: APC (APC regulator of Wnt signaling pathway; plus strand). Cytogenetic location: 5q22.2.
Variant type: single nucleotide variant.
Coding change: c.3260T>G on transcript NM_000038.6 (MANE Select); coding-DNA position 3260, T replaced by G.
Protein change: p.Leu1087Arg; replaces leucine 1087 with arginine.
Molecular consequence: missense variant. On other transcripts: non-coding transcript variant (2).
Genome position (GRCh38, 1-based): chr5:112,838,854, T>G. VCF-style: chr5-112838854-T-G. GRCh37 (hg19) VCF-style: chr5-112174551-T-G.
Other names: c.3260T>G, p.Leu1087Arg (NM_001127510.3, NM_001354895.2, NM_001407450.1); c.3206T>G, p.Leu1069Arg (NM_001127511.3); c.3314T>G, p.Leu1105Arg (NM_001354896.2, NM_001407447.1, NM_001407448.1 and 1 more transcripts); c.3290T>G, p.Leu1097Arg (NM_001354897.2); c.3185T>G, p.Leu1062Arg (NM_001354898.2); c.3176T>G, p.Leu1059Arg (NM_001354899.2); c.3137T>G, p.Leu1046Arg (NM_001354900.2); c.3083T>G, p.Leu1028Arg (NM_001354901.2, NM_001407453.1); and 11 more; short protein forms L1046R, L1080R, L927R, L996R, L1028R, L1069R, L1087R, L1097R.
Identifiers: ClinVar variation 4825050 (VCV004825050.1).